The following is an entry in ClinVar:

NM_013247.5(HTRA2):c.305G>A (p.Arg102His)

Gene: HTRA2 (HtrA serine peptidase 2; plus strand). Cytogenetic location: 2p13.1.
Variant type: single nucleotide variant.
Coding change: c.305G>A on transcript NM_013247.5 (MANE Select); coding-DNA position 305, G replaced by A.
Protein change: p.Arg102His; replaces arginine 102 with histidine.
Molecular consequence: missense variant. On other transcripts: non-coding transcript variant (1).
Genome position (GRCh38, 1-based): chr2:74,530,311, G>A. VCF-style: chr2-74530311-G-A. GRCh37 (hg19) VCF-style: chr2-74757438-G-A.
Other names: c.305G>A, p.Arg102His (NM_001321727.1, NM_001321728.1, NM_145074.2); short protein forms R102H.
Identifiers: ClinVar variation 2075252 (VCV002075252.1), dbSNP rs776054014, ClinGen allele CA1728321.

ClinVar aggregate classification (germline): Uncertain significance (1 of 4 stars; one submission).

Allele frequency attached by ClinVar (database versions not stated): gnomAD 0.00001; ExAC 0.00006.
gnomAD v4.1: 43 of 1,598,394 alleles (0.0027%); highest among the groups gnomAD compares: South Asian, 0.048%; no homozygotes.

Submission:

Labcorp Genetics (formerly Invitae), Labcorp
Classification: Uncertain significance. Last evaluated: 2022-10-17. Review status: criteria provided, single submitter. Criteria: Invitae Variant Classification Sherloc (09022015). Collection method: clinical testing. Allele origin: germline.
Comment: This sequence change replaces arginine, which is basic and polar, with histidine, which is basic and polar, at codon 102 of the HTRA2 protein (p.Arg102His). This variant is present in population databases (rs776054014, gnomAD 0.03%). This variant has not been reported in the literature in individuals affected with HTRA2-related conditions. Algorithms developed to predict the effect of missense changes on protein structure and function output the following: SIFT: "Tolerated"; PolyPhen-2: "Benign"; Align-GVGD: "Class C0". The histidine amino acid residue is found in multiple mammalian species, which suggests that this missense change does not adversely affect protein function. In summary, the available evidence is currently insufficient to determine the role of this variant in disease. Therefore, it has been classified as a Variant of Uncertain Significance.